The following is an entry in ClinVar:

ClinVar aggregate classification (germline): Uncertain significance (1 of 4 stars; one submission).

Allele frequency attached by ClinVar (database versions not stated): gnomAD exomes below 0.00001.

Submission:

Labcorp Genetics (formerly Invitae), Labcorp
Classification: Uncertain significance. Last evaluated: 2025-06-09. Review status: criteria provided, single submitter. Criteria: Invitae Variant Classification Sherloc (09022015). Collection method: clinical testing. Allele origin: germline.
Comment: This sequence change replaces serine, which is neutral and polar, with arginine, which is basic and polar, at codon 299 of the NLRP1 protein (p.Ser299Arg). This variant is present in population databases (no rsID available, gnomAD 0.003%). This variant has not been reported in the literature in individuals affected with NLRP1-related conditions. ClinVar contains an entry for this variant (Variation ID: 2709730). An algorithm developed to predict the effect of missense changes on protein structure and function outputs the following: PolyPhen-2: "Benign". The arginine amino acid residue is found in multiple mammalian species, which suggests that this missense change does not adversely affect protein function. In summary, the available evidence is currently insufficient to determine the role of this variant in disease. Therefore, it has been classified as a Variant of Uncertain Significance.

NM_033004.4(NLRP1):c.895A>C (p.Ser299Arg)

Gene: NLRP1 (NLR family pyrin domain containing 1; minus strand). Cytogenetic location: 17p13.2.
Variant type: single nucleotide variant.
Coding change: c.895A>C on transcript NM_033004.4 (MANE Select); coding-DNA position 895, A replaced by C.
Protein change: p.Ser299Arg; replaces serine 299 with arginine.
Molecular consequence: missense variant.
Genome position (GRCh38, 1-based): chr17:5,559,801, T>G on the plus strand (A>C on the coding strand, the complement: NLRP1 is on the minus strand). VCF-style: chr17-5559801-T-G. GRCh37 (hg19) VCF-style: chr17-5463121-T-G.
Other names: c.895A>C, p.Ser299Arg (NM_001033053.3, NM_014922.5, NM_033006.4 and 1 more transcripts); short protein forms S299R.
Identifiers: ClinVar variation 2709730 (VCV002709730.3), dbSNP rs1487201547, ClinGen allele CA397387695.